The following is an entry in ClinVar:

ClinVar aggregate classification (germline): Uncertain significance (1 of 4 stars; one submission).

gnomAD v4.1: 41 of 1,575,150 alleles (0.0026%); highest among the groups gnomAD compares: Admixed American, 0.0073%; no homozygotes.

Submission:

Ambry Genetics
Classification: Uncertain significance. Last evaluated: 2024-12-12. Review status: criteria provided, single submitter. Criteria: Ambry Variant Classification Scheme 2023. Collection method: clinical testing. Allele origin: germline.
Comment: The p.T1640M variant (also known as c.4919C>T), located in coding exon 20 of the WNK2 gene, results from a C to T substitution at nucleotide position 4919. The threonine at codon 1640 is replaced by methionine, an amino acid with similar properties. This amino acid position is conserved. In addition, this alteration is predicted to be tolerated by in silico analysis. Based on the available evidence, the clinical significance of this variant remains unclear.

NM_006648.4(WNK2):c.4919C>T (p.Thr1640Met)

Gene: WNK2 (WNK lysine deficient protein kinase 2; plus strand). Cytogenetic location: 9q22.31.
Variant type: single nucleotide variant.
Coding change: c.4919C>T on transcript NM_006648.4 (MANE Select); coding-DNA position 4919, C replaced by T.
Protein change: p.Thr1640Met; replaces threonine 1640 with methionine.
Molecular consequence: missense variant.
Genome position (GRCh38, 1-based): chr9:93,290,030, C>T. VCF-style: chr9-93290030-C-T. GRCh37 (hg19) VCF-style: chr9-96052312-C-T.
Other names: c.5030C>T, p.Thr1677Met (NM_001282394.3); short protein forms T1640M, T1677M.
Identifiers: ClinVar variation 3816441 (VCV003816441.1).